The following is an entry in ClinVar:

NM_024666.5(AAGAB):c.637_638delinsCT (p.Ala213Leu)

Gene: AAGAB (alpha and gamma adaptin binding protein; minus strand). Cytogenetic location: 15q23.
Variant type: Indel.
Coding change: c.637_638delinsCT on transcript NM_024666.5 (MANE Select); coding-DNA positions 637 to 638, GC replaced by CT.
Protein change: p.Ala213Leu; replaces alanine 213 with leucine.
Molecular consequence: missense variant.
Genome position (GRCh38, 1-based): chr15:67,208,639-67,208,640, GC replaced by AG on the plus strand (GC replaced by CT on the coding strand, the reverse complement: AAGAB is on the minus strand). VCF-style: chr15-67208639-GC-AG. GRCh37 (hg19) VCF-style: chr15-67500977-GC-AG.
Other names: c.310_311delinsCT, p.Ala104Leu (NM_001271885.2, NM_001271886.2); short protein forms A104L, A213L.
Identifiers: ClinVar variation 3711461 (VCV003711461.2).

ClinVar aggregate classification (germline): Uncertain significance (1 of 4 stars; one submission).

Submission:

Labcorp Genetics (formerly Invitae), Labcorp
Classification: Uncertain significance. Last evaluated: 2024-06-29. Review status: criteria provided, single submitter. Criteria: Invitae Variant Classification Sherloc (09022015). Collection method: clinical testing. Allele origin: germline.
Comment: This sequence change replaces alanine, which is neutral and non-polar, with leucine, which is neutral and non-polar, at codon 213 of the AAGAB protein (p.Ala213Leu). This variant is present in population databases (no rsID available, gnomAD 0.04%), and has an allele count higher than expected for a pathogenic variant. This variant has not been reported in the literature in individuals affected with AAGAB-related conditions. An algorithm developed to predict the effect of missense changes on protein structure and function (PolyPhen-2) suggests that this variant is likely to be tolerated. In summary, the available evidence is currently insufficient to determine the role of this variant in disease. Therefore, it has been classified as a Variant of Uncertain Significance.